The following is an entry in ClinVar:

ClinVar aggregate classification (germline): Uncertain significance (1 of 4 stars; one submission).

Submission:

GeneDx
Classification: Uncertain significance. Last evaluated: 2024-09-09. Review status: criteria provided, single submitter. Criteria: GeneDx Variant Classification Process June 2021. Collection method: clinical testing. Allele origin: germline. Affected: yes.
Comment: In silico analysis indicates that this missense variant does not alter protein structure/function; Has not been previously published as pathogenic or benign to our knowledge

NM_017662.5(TRPM6):c.2999C>T (p.Ser1000Leu)

Gene: TRPM6 (transient receptor potential cation channel subfamily M member 6; minus strand). Cytogenetic location: 9q21.13.
Variant type: single nucleotide variant.
Coding change: c.2999C>T on transcript NM_017662.5 (MANE Select); coding-DNA position 2999, C replaced by T.
Protein change: p.Ser1000Leu; replaces serine 1000 with leucine.
Molecular consequence: missense variant.
Genome position (GRCh38, 1-based): chr9:74,782,774, G>A on the plus strand (C>T on the coding strand, the complement: TRPM6 is on the minus strand). VCF-style: chr9-74782774-G-A. GRCh37 (hg19) VCF-style: chr9-77397690-G-A.
Other names: c.2984C>T, p.Ser995Leu (NM_001177310.2, NM_001177311.2); short protein forms S1000L, S995L.
Identifiers: ClinVar variation 3767458 (VCV003767458.1).